The following is an entry in ClinVar:

NM_014694.4(ADAMTSL2):c.579G>A (p.Val193=)

Gene: ADAMTSL2 (ADAMTS like 2; plus strand). Cytogenetic location: 9q34.2.
Variant type: single nucleotide variant.
Coding change: c.579G>A on transcript NM_014694.4 (MANE Select); coding-DNA position 579, G replaced by A.
Protein change: p.Val193=; no amino-acid change (valine 193 retained).
Molecular consequence: synonymous variant.
Genome position (GRCh38, 1-based): chr9:133,540,898, G>A. VCF-style: chr9-133540898-G-A. GRCh37 (hg19) VCF-style: chr9-136406020-G-A.
Other names: c.579G>A, p.Val193= (NM_001145320.2).
Identifiers: ClinVar variation 3053205 (VCV003053205.2), dbSNP rs779683932, ClinGen allele CA5312688.

ClinVar aggregate classification (germline): Likely benign (0 of 4 stars; one submission).

Conditions:
ADAMTSL2-related disorder. Also called: ADAMTSL2-related condition.

Allele frequency attached by ClinVar (database versions not stated): gnomAD 0.00003; TOPMed 0.00011; 1000 Genomes Project 30x 0.00031; ExAC 0.00031.
gnomAD v4.1: 106 of 1,613,432 alleles (0.0066%); highest among the groups gnomAD compares: Admixed American, 0.17%; no homozygotes.

Submission:

PreventionGenetics, part of Exact Sciences
Classification: Likely benign for ADAMTSL2-related condition. Last evaluated: 2022-03-29. Review status: no assertion criteria provided. Collection method: clinical testing. Allele origin: germline.
Comment: This variant is classified as likely benign based on ACMG/AMP sequence variant interpretation guidelines (Richards et al. 2015 PMID: 25741868, with internal and published modifications).